The following is an entry in ClinVar:

NM_144773.4(PROKR2):c.955G>A (p.Glu319Lys)

Gene: PROKR2 (prokineticin receptor 2; minus strand). Cytogenetic location: 20p12.3.
Variant type: single nucleotide variant.
Coding change: c.955G>A on transcript NM_144773.4 (MANE Select); coding-DNA position 955, G replaced by A.
Protein change: p.Glu319Lys; replaces glutamic acid 319 with lysine.
Molecular consequence: missense variant.
Genome position (GRCh38, 1-based): chr20:5,302,240, C>T on the plus strand (G>A on the coding strand, the complement: PROKR2 is on the minus strand). VCF-style: chr20-5302240-C-T. GRCh37 (hg19) VCF-style: chr20-5282886-C-T.
Other names: short protein forms E319K.
Identifiers: ClinVar variation 338855 (VCV000338855.9), dbSNP rs754796297, ClinGen allele CA9754236.

ClinVar aggregate classification (germline): Uncertain significance. Review status: criteria provided, multiple submitters, no conflicts (2 of 4 stars). 3 submissions from 3 submitters: Uncertain significance (3). Last evaluated 2023-12-24.

Conditions:
Hypogonadotropic hypogonadism 3 with or without anosmia (HH3). Also called: PROKR2-Related GnRH Deficiency (Kallmann Syndrome 3); HYPOGONADOTROPIC HYPOGONADISM 3 WITH ANOSMIA. Identifiers: Orphanet 478, MedGen C3550478, MONDO:0009482, OMIM 244200.

Allele frequency attached by ClinVar (database versions not stated): gnomAD exomes 0.00001; TOPMed 0.00001; ExAC 0.00002.
gnomAD v4.1: 13 of 1,614,198 alleles (0.00081%); highest among the groups gnomAD compares: Non-Finnish European, 0.001%; no homozygotes.

Submissions (3):

Fulgent Genetics
Classification: Uncertain significance for Hypogonadotropic hypogonadism 3 with or without anosmia. Last evaluated: 2023-12-24. Review status: criteria provided, single submitter. Criteria: ACMG Guidelines, 2015. Collection method: clinical testing. Allele origin: germline.

Labcorp Genetics (formerly Invitae), Labcorp
Classification: Uncertain significance. Last evaluated: 2023-12-21. Review status: criteria provided, single submitter. Criteria: Invitae Variant Classification Sherloc (09022015). Collection method: clinical testing. Allele origin: germline.
Comment: This sequence change replaces glutamic acid, which is acidic and polar, with lysine, which is basic and polar, at codon 319 of the PROKR2 protein (p.Glu319Lys). This variant is present in population databases (rs754796297, gnomAD 0.01%). This variant has not been reported in the literature in individuals affected with PROKR2-related conditions. ClinVar contains an entry for this variant (Variation ID: 338855). Advanced modeling of protein sequence and biophysical properties (such as structural, functional, and spatial information, amino acid conservation, physicochemical variation, residue mobility, and thermodynamic stability) has been performed at Invitae for this missense variant, however the output from this modeling did not meet the statistical confidence thresholds required to predict the impact of this variant on PROKR2 protein function. Experimental studies have shown that this missense change affects PROKR2 function (PMID: 36694982). In summary, the available evidence is currently insufficient to determine the role of this variant in disease. Therefore, it has been classified as a Variant of Uncertain Significance.

Illumina Laboratory Services, Illumina
Classification: Uncertain significance for Hypogonadotropic hypogonadism 3 with or without anosmia. Last evaluated: 2018-01-13. Review status: criteria provided, single submitter. Criteria: ICSL Variant Classification Criteria 13 December 2019. Collection method: clinical testing. Allele origin: germline.

Literature cited by the submitters: PubMed 36694982 (cited by Labcorp Genetics (formerly Invitae), Labcorp).